The following is an entry in ClinVar:

ClinVar aggregate classification (germline): Uncertain significance (1 of 4 stars; one submission).

Conditions:
Isolated microphthalmia 5. Also called: Posterior Microphthalmia with Retinitis Pigmentosa, Foveoschisis, and Optic Disc Drusen. Identifiers: Orphanet 251279, MedGen C1970236, MONDO:0012605, OMIM 611040.

Allele frequency attached by ClinVar (database versions not stated): TOPMed below 0.00001.
gnomAD v4.1: 1 of 1,613,368 alleles (0.000062%); highest among the groups gnomAD compares: Admixed American, 0.0017%; no homozygotes.

Submission:

Labcorp Genetics (formerly Invitae), Labcorp
Classification: Uncertain significance for Isolated microphthalmia 5. Last evaluated: 2025-04-28. Review status: criteria provided, single submitter. Criteria: Invitae Variant Classification Sherloc (09022015). Collection method: clinical testing. Allele origin: germline.
Comment: This sequence change replaces arginine, which is basic and polar, with lysine, which is basic and polar, at codon 518 of the MFRP protein (p.Arg518Lys). This variant is not present in population databases (gnomAD no frequency). This variant has not been reported in the literature in individuals affected with MFRP-related conditions. ClinVar contains an entry for this variant (Variation ID: 1516966). Invitae Evidence Modeling of protein sequence and biophysical properties (such as structural, functional, and spatial information, amino acid conservation, physicochemical variation, residue mobility, and thermodynamic stability) indicates that this missense variant is not expected to disrupt MFRP protein function with a negative predictive value of 80%. In summary, the available evidence is currently insufficient to determine the role of this variant in disease. Therefore, it has been classified as a Variant of Uncertain Significance.

NM_031433.4(MFRP):c.1553G>A (p.Arg518Lys)

Genes: C1QTNF5 (C1q and TNF related 5; minus strand), MFRP (membrane frizzled-related protein; minus strand). Cytogenetic location: 11q23.3.
Variant type: single nucleotide variant.
Coding change: c.1553G>A on transcript NM_031433.4 (MANE Select); coding-DNA position 1553, G replaced by A.
Protein change: p.Arg518Lys; replaces arginine 518 with lysine.
Molecular consequence: missense variant. On other transcripts: 5 prime UTR variant (1).
Genome position (GRCh38, 1-based): chr11:119,341,735, C>T on the plus strand (G>A on the coding strand, the complement: MFRP is on the minus strand). VCF-style: chr11-119341735-C-T. GRCh37 (hg19) VCF-style: chr11-119212445-C-T.
Other names: c.-1084G>A (NM_015645.5); short protein forms R518K.
Identifiers: ClinVar variation 1516966 (VCV001516966.7), dbSNP rs1054153031, ClinGen allele CA229675176.